The following is an entry in ClinVar:

NM_001382430.1(AKT1):c.351G>T (p.Glu117Asp)

Gene: AKT1 (AKT serine/threonine kinase 1; minus strand). Cytogenetic location: 14q32.33.
Variant type: single nucleotide variant.
Coding change: c.351G>T on transcript NM_001382430.1 (MANE Select); coding-DNA position 351, G replaced by T.
Protein change: p.Glu117Asp; replaces glutamic acid 117 with aspartic acid.
Molecular consequence: missense variant.
Genome position (GRCh38, 1-based): chr14:104,775,736, C>A on the plus strand (G>T on the coding strand, the complement: AKT1 is on the minus strand). VCF-style: chr14-104775736-C-A. GRCh37 (hg19) VCF-style: chr14-105242073-C-A.
Other names: c.351G>T, p.Glu117Asp (NM_001014431.2, NM_001014432.2, NM_001382431.1 and 3 more transcripts); short protein forms E117D.
Identifiers: ClinVar variation 1732259 (VCV001732259.4), dbSNP rs1268659696, ClinGen allele CA391220244.

ClinVar aggregate classification (germline): Uncertain significance. Review status: criteria provided, multiple submitters, no conflicts (2 of 4 stars). 2 submissions from 2 submitters: Uncertain significance (2). Last evaluated 2024-05-18.

Conditions:
Inborn genetic diseases. Identifiers: MedGen C0950123, MeSH D030342.
Cowden syndrome 6 (CWS6). Identifiers: Orphanet 201, MedGen C3554519, MONDO:0014048, OMIM 615109.

Allele frequency attached by ClinVar (database versions not stated): gnomAD exomes 0.00001.
gnomAD v4.1: 11 of 1,613,360 alleles (0.00068%); highest among the groups gnomAD compares: Non-Finnish European, 0.00093%; no homozygotes.

Submissions (2):

Ambry Genetics
Classification: Uncertain significance for Inborn genetic diseases. Last evaluated: 2024-05-18. Review status: criteria provided, single submitter. Criteria: Ambry Variant Classification Scheme 2023. Collection method: clinical testing. Allele origin: germline.
Comment: The p.E117D variant (also known as c.351G>T), located in coding exon 4 of the AKT1 gene, results from a G to T substitution at nucleotide position 351. The glutamic acid at codon 117 is replaced by aspartic acid, an amino acid with highly similar properties. This amino acid position is conserved. In addition, this alteration is predicted to be tolerated by in silico analysis. Since supporting evidence is limited at this time, the clinical significance of this alteration remains unclear.

Revvity Omics, Revvity
Classification: Uncertain significance for Cowden syndrome 6. Last evaluated: 2023-10-13. Review status: criteria provided, single submitter. Criteria: ACMG Guidelines, 2015. Collection method: clinical testing. Allele origin: germline.